The following is an entry in ClinVar:

NM_020975.6(RET):c.2692G>C (p.Asp898His)

Gene: RET (ret proto-oncogene; plus strand). Cytogenetic location: 10q11.21.
Variant type: single nucleotide variant.
Coding change: c.2692G>C on transcript NM_020975.6 (MANE Select); coding-DNA position 2692, G replaced by C.
Protein change: p.Asp898His; replaces aspartic acid 898 with histidine.
Molecular consequence: missense variant.
Genome position (GRCh38, 1-based): chr10:43,120,165, G>C. VCF-style: chr10-43120165-G-C. GRCh37 (hg19) VCF-style: chr10-43615613-G-C.
Other names: c.2557G>C, p.Asp853His (NM_001406763.1, NM_001406765.1); c.2563G>C, p.Asp855His (NM_001406764.1, NM_001406761.1, NM_001406762.1); c.2404G>C, p.Asp802His (NM_001406766.1, NM_001406767.1, NM_001406770.1); c.2428G>C, p.Asp810His (NM_001406768.1); c.2296G>C, p.Asp766His (NM_001406769.1, NM_001406772.1); c.2254G>C, p.Asp752His (NM_001406771.1, NM_001406773.1); c.2167G>C, p.Asp723His (NM_001406774.1); c.1966G>C, p.Asp656His (NM_001406775.1, NM_001406776.1, NM_001406777.1 and 1 more transcripts); and 10 more; short protein forms D898H, D644H, D503H, D723H, D810H, D855H, D415H, D463H.
Identifiers: ClinVar variation 1386874 (VCV001386874.5), dbSNP rs587780810, ClinGen allele CA376557236.

ClinVar aggregate classification (germline): Uncertain significance (1 of 4 stars; one submission).

Conditions:
Multiple endocrine neoplasia, type 2 (MEN2). Identifiers: Orphanet 653, MedGen C4048306, MONDO:0019003. Disease mechanism: gain of function.

Submission:

Labcorp Genetics (formerly Invitae), Labcorp
Classification: Uncertain significance for Multiple endocrine neoplasia, type 2. Last evaluated: 2022-07-14. Review status: criteria provided, single submitter. Criteria: Invitae Variant Classification Sherloc (09022015). Collection method: clinical testing. Allele origin: germline.
Comment: In summary, the available evidence is currently insufficient to determine the role of this variant in disease. Therefore, it has been classified as a Variant of Uncertain Significance. Algorithms developed to predict the effect of missense changes on protein structure and function are either unavailable or do not agree on the potential impact of this missense change (SIFT: "Deleterious"; PolyPhen-2: "Probably Damaging"; Align-GVGD: "Class C0"). ClinVar contains an entry for this variant (Variation ID: 1386874). This variant has not been reported in the literature in individuals affected with RET-related conditions. This variant is not present in population databases (gnomAD no frequency). This sequence change replaces aspartic acid, which is acidic and polar, with histidine, which is basic and polar, at codon 898 of the RET protein (p.Asp898His).